The following is an entry in ClinVar:

ClinVar aggregate classification (germline): Uncertain significance (1 of 4 stars; one submission).

Allele frequency attached by ClinVar (database versions not stated): TOPMed 0.00001.

Submission:

Ambry Genetics
Classification: Uncertain significance. Last evaluated: 2021-09-01. Review status: criteria provided, single submitter. Criteria: Ambry Variant Classification Scheme 2023. Collection method: clinical testing. Allele origin: germline.
Comment: The p.T443I variant (also known as c.1328C>T), located in coding exon 9 of the POLQ gene, results from a C to T substitution at nucleotide position 1328. The threonine at codon 443 is replaced by isoleucine, an amino acid with similar properties. This amino acid position is conserved. In addition, this alteration is predicted to be deleterious by in silico analysis. Since supporting evidence is limited at this time, the clinical significance of this alteration remains unclear.

NM_199420.4(POLQ):c.1328C>T (p.Thr443Ile)

Gene: POLQ (DNA polymerase theta; minus strand). Cytogenetic location: 3q13.33.
Variant type: single nucleotide variant.
Coding change: c.1328C>T on transcript NM_199420.4 (MANE Select); coding-DNA position 1328, C replaced by T.
Protein change: p.Thr443Ile; replaces threonine 443 with isoleucine.
Molecular consequence: missense variant.
Genome position (GRCh38, 1-based): chr3:121,520,011, G>A on the plus strand (C>T on the coding strand, the complement: POLQ is on the minus strand). VCF-style: chr3-121520011-G-A. GRCh37 (hg19) VCF-style: chr3-121238858-G-A.
Other names: short protein forms T443I.
Identifiers: ClinVar variation 1770050 (VCV001770050.2), dbSNP rs1311840422, ClinGen allele CA354119656.